The following is an entry in ClinVar:

ClinVar aggregate classification (germline): Uncertain significance (1 of 4 stars; one submission).

Allele frequency attached by ClinVar (database versions not stated): gnomAD 0.00001; TOPMed 0.00001.
gnomAD v4.1: 5 of 1,551,602 alleles (0.00032%); highest among the groups gnomAD compares: Non-Finnish European, 0.00035%; no homozygotes.

Submission:

Labcorp Genetics (formerly Invitae), Labcorp
Classification: Uncertain significance. Last evaluated: 2025-03-17. Review status: criteria provided, single submitter. Criteria: Invitae Variant Classification Sherloc (09022015). Collection method: clinical testing. Allele origin: germline.
Comment: This sequence change replaces isoleucine, which is neutral and non-polar, with valine, which is neutral and non-polar, at codon 96 of the LRIT3 protein (p.Ile96Val). This variant is not present in population databases (gnomAD no frequency). This variant has not been reported in the literature in individuals affected with LRIT3-related conditions. ClinVar contains an entry for this variant (Variation ID: 837064). An algorithm developed to predict the effect of missense changes on protein structure and function outputs the following: PolyPhen-2: "Benign". The valine amino acid residue is found in multiple mammalian species, which suggests that this missense change does not adversely affect protein function. In summary, the available evidence is currently insufficient to determine the role of this variant in disease. Therefore, it has been classified as a Variant of Uncertain Significance.

NM_198506.5(LRIT3):c.286A>G (p.Ile96Val)

Gene: LRIT3 (leucine rich repeat, Ig-like and transmembrane domains 3; plus strand). Cytogenetic location: 4q25.
Variant type: single nucleotide variant.
Coding change: c.286A>G on transcript NM_198506.5 (MANE Select); coding-DNA position 286, A replaced by G.
Protein change: p.Ile96Val; replaces isoleucine 96 with valine.
Molecular consequence: missense variant.
Genome position (GRCh38, 1-based): chr4:109,851,673, A>G. VCF-style: chr4-109851673-A-G. GRCh37 (hg19) VCF-style: chr4-110772829-A-G.
Other names: short protein forms I96V.
Identifiers: ClinVar variation 837064 (VCV000837064.6), dbSNP rs1038508835, ClinGen allele CA103731983.